The following is an entry in ClinVar:

NM_000297.4(PKD2):c.514del (p.Asp172fs)

Genes: PKD2 (polycystin 2, transient receptor potential cation channel; plus strand), LOC129992813 (ATAC-STARR-seq lymphoblastoid silent region 15559; plus strand). Cytogenetic location: 4q22.1.
Variant type: Deletion.
Coding change: c.514del on transcript NM_000297.4 (MANE Select); coding-DNA position 514, one base deleted (G; older notation c.514delG).
Protein change: p.Asp172fs; shifts the reading frame from aspartic acid 172.
Molecular consequence: frameshift variant. On other transcripts: non-coding transcript variant (1).
Genome position (GRCh38, 1-based): chr4:88,008,247, G deleted; the last of 4 consecutive G bases (chr4:88,008,244-88,008,247); deleting any one gives the same sequence. VCF-style (leftmost placement, unchanged base first): chr4-88008243-CG-C. GRCh37 (hg19) VCF-style: chr4-88929395-CG-C.
Other names: c.514del (NM_000297.3); c.514delG (NM_000297.3); short protein forms D172fs.
Identifiers: ClinVar variation 448037 (VCV000448037.10), dbSNP rs1232369409, ClinGen allele CA658657391.

ClinVar aggregate classification (germline): Pathogenic. Review status: criteria provided, multiple submitters, no conflicts (2 of 4 stars). 5 submissions from 5 submitters: Pathogenic (5). Last evaluated 2024-12-03.

Conditions:
Autosomal dominant polycystic kidney disease. Identifiers: Orphanet 730, MedGen C0085413, MONDO:0004691.
Polycystic kidney disease 2 (PKD2). Also called: POLYCYSTIC KIDNEY DISEASE 2 WITH OR WITHOUT POLYCYSTIC LIVER DISEASE; Polycystic Kidney Disease 2, Autosomal Dominant; POLYCYSTIC KIDNEY DISEASE, ADULT, TYPE II. Identifiers: MedGen C2751306, MONDO:0013131, OMIM 613095.

Submissions (5):

GeneDx
Classification: Pathogenic. Last evaluated: 2024-12-03. Review status: criteria provided, single submitter. Criteria: GeneDx Variant Classification Process June 2021. Collection method: clinical testing. Allele origin: germline. Affected: yes.
Comment: Not observed at significant frequency in large population cohorts (gnomAD); Has not been previously published as pathogenic or benign to our knowledge; Frameshift variant predicted to result in protein truncation or nonsense mediated decay in a gene for which loss of function is a known mechanism of disease

Fulgent Genetics
Classification: Pathogenic for Polycystic kidney disease 2. Last evaluated: 2024-03-02. Review status: criteria provided, single submitter. Criteria: ACMG Guidelines, 2015. Collection method: clinical testing. Allele origin: germline.

Department of Pathology and Laboratory Medicine, Sinai Health System
Classification: Pathogenic for Polycystic kidney disease 2. Last evaluated: 2024-01-19. Review status: criteria provided, single submitter. Criteria: ACMG Guidelines, 2015. Collection method: clinical testing. Allele origin: germline. Affected: yes.

Labcorp Genetics (formerly Invitae), Labcorp
Classification: Pathogenic for Autosomal dominant polycystic kidney disease. Last evaluated: 2017-06-16. Review status: criteria provided, single submitter. Criteria: Invitae Variant Classification Sherloc (09022015). Collection method: clinical testing. Allele origin: germline.
Comment: For these reasons, this variant has been classified as Pathogenic. Loss-of-function variants in PKD2 are known to be pathogenic (PMID: 17582161, 22863349). This variant has not been reported in the literature in individuals with a PKD2-related disease. While this variant is not present in population databases, the frequency information is unreliable, as metrics indicate poor data quality at this position in the ExAC database. This sequence change creates a premature translational stop signal (p.Asp172Thrfs*61) in the PKD2 gene. It is expected to result in an absent or disrupted protein product.

Athena Diagnostics
Classification: Pathogenic. Last evaluated: 2016-10-20. Review status: criteria provided, single submitter. Criteria: Athena Diagnostics Criteria. Collection method: clinical testing. Allele origin: germline.

Literature cited by the submitters: PubMed 17582161 (cited by Labcorp Genetics (formerly Invitae), Labcorp); PubMed 22863349 (cited by Labcorp Genetics (formerly Invitae), Labcorp).